The following is an entry in ClinVar:

NM_019616.4(F7):c.1249A>G (p.Arg417Gly)

Gene: F7 (coagulation factor VII; plus strand). Cytogenetic location: 13q34.
Variant type: single nucleotide variant.
Coding change: c.1249A>G on transcript NM_019616.4 (MANE Select); coding-DNA position 1249, A replaced by G.
Protein change: p.Arg417Gly; replaces arginine 417 with glycine.
Molecular consequence: missense variant. On other transcripts: non-coding transcript variant (1).
Genome position (GRCh38, 1-based): chr13:113,118,922, A>G. VCF-style: chr13-113118922-A-G. GRCh37 (hg19) VCF-style: chr13-113773236-A-G.
Other names: c.1315A>G, p.Arg439Gly (NM_000131.5); c.1063A>G, p.Arg355Gly (NM_001267554.2); short protein forms R355G, R417G, R439G.
Identifiers: ClinVar variation 3768242 (VCV003768242.1).
Genomic context (GRCh38, chr13:113,118,922, plus strand): 5'-ACGGGCATCGTCAGCTGGGGCCAGGGCTGCGCAACCGTGGGCCACTTTGGGGTGTACACC[A>G]GGGTCTCCCAGTACATCGAGTGGCTGCAAAAGCTCATGCGCTCAGAGCCACGCCCAGGAG-3'
Protein context (NP_062562.1, residues 407-427): ATVGHFGVYT[Arg417Gly]VSQYIEWLQK

ClinVar aggregate classification (germline): Pathogenic (1 of 4 stars; one submission).

Conditions:
Congenital factor VII deficiency. Identifiers: Orphanet 327, MedGen C0272320, MONDO:0009211, OMIM 227500.

gnomAD v4.1: 4 of 1,611,602 alleles (0.00025%); highest among the groups gnomAD compares: Non-Finnish European, 0.000085%; no homozygotes.

Submission:

Women's Health and Genetics/Laboratory Corporation of America, LabCorp
Classification: Pathogenic for Congenital factor VII deficiency. Last evaluated: 2024-12-05. Review status: criteria provided, single submitter. Criteria: LabCorp Variant Classification Summary - May 2015. Collection method: clinical testing. Allele origin: germline.
Comment: Variant summary: F7 c.1315A>G (p.Arg439Gly) results in a non-conservative amino acid change in the encoded protein sequence. Five of five in-silico tools predict a damaging effect of the variant on protein function. The variant was absent in 247676 control chromosomes (gnomAD). c.1315A>G has been reported in the literature in 3 homozygous individuals affected with Congenital factor VII deficiency (Giansily-Blaizot_2001, Ouardani_2022). These data indicate that the variant is very likely to be associated with disease. The following publications have been ascertained in the context of this evaluation (PMID: 11313743, 35802509). No submitters have cited clinical-significance assessments for this variant to ClinVar. Based on the evidence outlined above, the variant was classified as pathogenic.

Literature cited by the submitters: PubMed 11313743; PubMed 35802509.